The following is an entry in ClinVar:

NM_000252.3(MTM1):c.1285C>T (p.His429Tyr)

Gene: MTM1 (myotubularin 1; plus strand). Cytogenetic location: Xq28.
Variant type: single nucleotide variant.
Coding change: c.1285C>T on transcript NM_000252.3 (MANE Select); coding-DNA position 1285, C replaced by T.
Protein change: p.His429Tyr; replaces histidine 429 with tyrosine.
Molecular consequence: missense variant.
Genome position (GRCh38, 1-based): chrX:150,659,688, C>T. VCF-style: chrX-150659688-C-T. GRCh37 (hg19) VCF-style: chrX-149828161-C-T.
Other names: c.1285C>T, p.His429Tyr (NM_001376906.1, NM_001376908.1); c.1174C>T, p.His392Tyr (NM_001376907.1); short protein forms H392Y, H429Y.
Identifiers: ClinVar variation 5040667 (VCV005040667.1).

ClinVar aggregate classification (germline): Uncertain significance (1 of 4 stars; one submission).

Submission:

CeGaT Center for Human Genetics Tuebingen
Classification: Uncertain significance. Last evaluated: 2026-08-01. Review status: criteria provided, single submitter. Criteria: CeGaT Center For Human Genetics Tuebingen Variant Classification Criteria Version 2. Collection method: clinical testing. Allele origin: germline. Affected: yes. Observed: 1 variant allele.
Comment: MTM1: PM2